The following is an entry in ClinVar:

ClinVar aggregate classification (germline): Uncertain significance (1 of 4 stars; one submission).

Conditions:
Immunodeficiency 37 (IMD37). Identifiers: MedGen C4015195, MONDO:0014491, OMIM 616098.

Allele frequency attached by ClinVar (database versions not stated): ExAC 0.00001; gnomAD exomes 0.00001; TOPMed 0.00001.
gnomAD v4.1: 12 of 1,614,162 alleles (0.00074%); highest among the groups gnomAD compares: Non-Finnish European, 0.001%; no homozygotes.

Submission:

Labcorp Genetics (formerly Invitae), Labcorp
Classification: Uncertain significance for Immunodeficiency 37. Last evaluated: 2022-01-04. Review status: criteria provided, single submitter. Criteria: Invitae Variant Classification Sherloc (09022015). Collection method: clinical testing. Allele origin: germline.
Comment: Experimental studies have shown that this missense change does not substantially affect BCL10 function (PMID: 32008135). In summary, the available evidence is currently insufficient to determine the role of this variant in disease. Therefore, it has been classified as a Variant of Uncertain Significance. Algorithms developed to predict the effect of missense changes on protein structure and function output the following: SIFT: "Tolerated"; PolyPhen-2: "Benign"; Align-GVGD: "Class C0". The histidine amino acid residue is found in multiple mammalian species, which suggests that this missense change does not adversely affect protein function. This sequence change replaces asparagine, which is neutral and polar, with histidine, which is basic and polar, at codon 169 of the BCL10 protein (p.Asn169His). This variant is present in population databases (rs760267922, gnomAD 0.002%). This variant has not been reported in the literature in individuals affected with BCL10-related conditions.

Literature cited by the submitters: PubMed 32008135.

NM_003921.5(BCL10):c.505A>C (p.Asn169His)

Gene: BCL10 (BCL10 immune signaling adaptor; minus strand). Cytogenetic location: 1p22.3.
Variant type: single nucleotide variant.
Coding change: c.505A>C on transcript NM_003921.5 (MANE Select); coding-DNA position 505, A replaced by C.
Protein change: p.Asn169His; replaces asparagine 169 with histidine.
Molecular consequence: missense variant.
Genome position (GRCh38, 1-based): chr1:85,267,824, T>G on the plus strand (A>C on the coding strand, the complement: BCL10 is on the minus strand). VCF-style: chr1-85267824-T-G. GRCh37 (hg19) VCF-style: chr1-85733507-T-G.
Other names: c.472A>C, p.Asn158His (NM_001320715.2); short protein forms N169H, N158H.
Identifiers: ClinVar variation 2185746 (VCV002185746.4), dbSNP rs760267922, ClinGen allele CA929736.